The following is an entry in ClinVar:

ClinVar aggregate classification (germline): Uncertain significance (1 of 4 stars; one submission).

Conditions:
Specific granule deficiency. Identifiers: Orphanet 169142, MedGen C0398593, MONDO:0009506.

gnomAD v4.1: 5 of 1,612,944 alleles (0.00031%); highest among the groups gnomAD compares: Non-Finnish European, 0.00042%; no homozygotes.

Submission:

Labcorp Genetics (formerly Invitae), Labcorp
Classification: Uncertain significance for Specific granule deficiency. Last evaluated: 2024-11-21. Review status: criteria provided, single submitter. Criteria: Invitae Variant Classification Sherloc (09022015). Collection method: clinical testing. Allele origin: germline.
Comment: This sequence change replaces glutamic acid, which is acidic and polar, with aspartic acid, which is acidic and polar, at codon 122 of the CEBPE protein (p.Glu122Asp). This variant is not present in population databases (gnomAD no frequency). This variant has not been reported in the literature in individuals affected with CEBPE-related conditions. ClinVar contains an entry for this variant (Variation ID: 1025358). An algorithm developed to predict the effect of missense changes on protein structure and function (PolyPhen-2) suggests that this variant is likely to be tolerated. In summary, the available evidence is currently insufficient to determine the role of this variant in disease. Therefore, it has been classified as a Variant of Uncertain Significance.

NM_001805.4(CEBPE):c.366G>T (p.Glu122Asp)

Gene: CEBPE (CCAAT enhancer binding protein epsilon; minus strand). Cytogenetic location: 14q11.2.
Variant type: single nucleotide variant.
Coding change: c.366G>T on transcript NM_001805.4 (MANE Select); coding-DNA position 366, G replaced by T.
Protein change: p.Glu122Asp; replaces glutamic acid 122 with aspartic acid.
Molecular consequence: missense variant.
Genome position (GRCh38, 1-based): chr14:23,118,726, C>A on the plus strand (G>T on the coding strand, the complement: CEBPE is on the minus strand). VCF-style: chr14-23118726-C-A. GRCh37 (hg19) VCF-style: chr14-23587935-C-A.
Other names: short protein forms E122D.
Identifiers: ClinVar variation 1025358 (VCV001025358.7), dbSNP rs2048522473, ClinGen allele CA388953195.
Genomic context (GRCh38, chr14:23,118,726, plus strand): 5'-CTGCAGGGGATTGTAGCTGCCTCGGCTGGCAGCTCGGCTGCCCTCTGGCCCCCGGGGCTC[C>A]TCCTTCACCGCCACAGCCCTGGGGTCGTAGCTCCCTGGGCTGCTGTAGATGCCAGGCCCC-3'
Protein context (NP_001796.2, residues 112-132): SYDPRAVAVK[Glu122Asp]EPRGPEGSRA